The following is an entry in ClinVar:

NM_004183.4(BEST1):c.544T>C (p.Trp182Arg)

Gene: BEST1 (bestrophin 1; plus strand). Cytogenetic location: 11q12.3.
Variant type: single nucleotide variant.
Coding change: c.544T>C on transcript NM_004183.4 (MANE Select); coding-DNA position 544, T replaced by C.
Protein change: p.Trp182Arg; replaces tryptophan 182 with arginine.
Molecular consequence: missense variant. On other transcripts: non-coding transcript variant (1).
Genome position (GRCh38, 1-based): chr11:61,956,906, T>C. VCF-style: chr11-61956906-T-C. GRCh37 (hg19) VCF-style: chr11-61724378-T-C.
Other names: c.364T>C, p.Trp122Arg (NM_001139443.3, NM_001300786.2, NM_001300787.2); c.226T>C, p.Trp76Arg (NM_001363591.3); c.544T>C, p.Trp182Arg (NM_001363592.2); c.-632T>C (NM_001363593.3); short protein forms W182R, W76R, W122R.
Identifiers: ClinVar variation 544679 (VCV000544679.2), dbSNP rs1565390925, ClinGen allele CA380837341.

ClinVar aggregate classification (germline): Uncertain significance (1 of 4 stars; one submission).

Conditions:
Vitelliform macular dystrophy 2. Also called: Best Macular Dystrophy; MACULAR DEGENERATION, POLYMORPHIC VITELLINE; VITELLIFORM MACULAR DYSTROPHY, EARLY-ONSET; VITELLIFORM MACULAR DYSTROPHY, JUVENILE-ONSET; Best Vitelliform Macular Dystrophy (BVMD); Best vitelliform macular dystrophy, multifocal. Identifiers: Orphanet 1243, MedGen C2745945, MONDO:0007931, OMIM 153700.

Submission:

MAGI'S LAB - Medical Genetics Laboratory, MAGI GROUP
Classification: Uncertain significance for Vitelliform macular dystrophy 2. Last evaluated: 2018-05-08. Review status: criteria provided, single submitter. Criteria: ACMG Guidelines, 2015. Collection method: clinical testing. Allele origin: unknown. Inheritance: Autosomal dominant inheritance. Affected: yes. Observed: 1 variant allele, 1 heterozygote.
Comment: Application of ACMG guidelines: PM2, absent from controls (or at extremely low frequency if recessive) in Exome Sequencing Project, 1000 Genomes Project, or Exome Aggregation Consortium; PP3, multiple lines of computational evidence support a deleterious effect on the gene or gene product (conservation, evolutionary, splicing impact, etc.). The variation has been classified as variant of uncertain significance.